The following is an entry in ClinVar:

ClinVar aggregate classification (germline): Uncertain significance (1 of 4 stars; one submission).

Allele frequency attached by ClinVar (database versions not stated): TOPMed below 0.00001; gnomAD 0.00001.

Submission:

GeneDx
Classification: Uncertain significance. Last evaluated: 2022-05-13. Review status: criteria provided, single submitter. Criteria: GeneDx Variant Classification Process June 2021. Collection method: clinical testing. Allele origin: germline. Affected: yes.
Comment: Not observed at significant frequency in large population cohorts (gnomAD); In silico analysis supports that this missense variant does not alter protein structure/function; Has not been previously published as pathogenic or benign to our knowledge.

NM_005378.6(MYCN):c.538G>C (p.Ala180Pro)

Gene: MYCN (MYCN proto-oncogene, bHLH transcription factor; plus strand). Cytogenetic location: 2p24.3.
Variant type: single nucleotide variant.
Coding change: c.538G>C on transcript NM_005378.6 (MANE Select); coding-DNA position 538, G replaced by C.
Protein change: p.Ala180Pro; replaces alanine 180 with proline.
Molecular consequence: missense variant. On other transcripts: 3 prime UTR variant (1), intron variant (1).
Genome position (GRCh38, 1-based): chr2:15,942,602, G>C. VCF-style: chr2-15942602-G-C. GRCh37 (hg19) VCF-style: chr2-16082724-G-C.
Other names: c.538G>C, p.Ala180Pro (NM_001293228.2); c.*473G>C (NM_001293233.2); c.157+1859G>C (NM_001293231.2); short protein forms A180P.
Identifiers: ClinVar variation 1723474 (VCV001723474.2), dbSNP rs1662728256, ClinGen allele CA345931080.